The following is an entry in ClinVar:

ClinVar aggregate classification (germline): Likely pathogenic (1 of 4 stars; one submission).

Conditions:
Waardenburg syndrome type 1 (WS1). Also called: WAARDENBURG SYNDROME WITH DYSTOPIA CANTHORUM; Waardenburg Syndrome Type I. Identifiers: Orphanet 894, MedGen C1847800, MONDO:0008670, OMIM 193500.

Submission:

Dasa
Classification: Likely pathogenic for Waardenburg syndrome type 1. Last evaluated: 2025-12-16. Review status: criteria provided, single submitter. Criteria: DASA Assertion Criteria. Collection method: clinical testing. Allele origin: germline.
Comment: NM_181458.4(PAX3):c.786del (p.Val263Tyrfs*21) is a frameshift variant in PAX3 predicted to alter the reading frame and introduce a premature termination codon and is predicted to result in an absent or altered protein product. Loss of function is an established disease mechanism for PAX3 (PMID: 1347148; PMID: 8490648; PMID: 8533800). Also, this variant is rare in population databases. Based on the currently available evidence, this variant is classified as likely pathogenic.

Literature cited by the submitters: PubMed 1347148; PubMed 8490648; PubMed 8533800.

NM_181458.4(PAX3):c.786del (p.Val263fs)

Gene: PAX3 (paired box 3; minus strand). Cytogenetic location: 2q36.1.
Variant type: Deletion.
Coding change: c.786del on transcript NM_181458.4 (MANE Select); coding-DNA position 786, one base deleted (A; older notation c.786delA).
Protein change: p.Val263fs; shifts the reading frame from valine 263.
Molecular consequence: frameshift variant.
Genome position (GRCh38, 1-based): chr2:222,232,084, T deleted on the plus strand (A on the coding strand, the reverse complement: PAX3 is on the minus strand). VCF-style (leftmost placement, unchanged base first): chr2-222232083-CT-C. GRCh37 (hg19) VCF-style: chr2-223096802-CT-C.
Other names: c.786del, p.Val263fs (NM_181460.4, NM_181461.4, NM_181457.4 and 1 more transcripts); c.783del, p.Val262fs (NM_001127366.3); short protein forms V262fs, V263fs.
Identifiers: ClinVar variation 4880528 (VCV004880528.2).